The following is an entry in ClinVar:

ClinVar aggregate classification (germline): Uncertain significance. Review status: criteria provided, multiple submitters, no conflicts (2 of 4 stars). 2 submissions from 2 submitters: Uncertain significance (2). Last evaluated 2025-01-04.

Conditions:
Inborn genetic diseases. Identifiers: MedGen C0950123, MeSH D030342.

Submissions (2):

Ambry Genetics
Classification: Uncertain significance for Inborn genetic diseases. Last evaluated: 2025-01-04. Review status: criteria provided, single submitter. Criteria: Ambry Variant Classification Scheme 2023. Collection method: clinical testing. Allele origin: germline.

GeneDx
Classification: Uncertain significance. Last evaluated: 2019-12-09. Review status: criteria provided, single submitter. Criteria: GeneDx Variant Classification Process June 2021. Collection method: clinical testing. Allele origin: germline. Affected: yes.
Comment: Not observed in large population cohorts (Lek et al., 2016); In silico analysis, which includes protein predictors and evolutionary conservation, supports a deleterious effect; Has not been previously published as pathogenic or benign to our knowledge

NM_000260.4(MYO7A):c.6016G>A (p.Asp2006Asn)

Gene: MYO7A (myosin VIIA; plus strand). Cytogenetic location: 11q13.5.
Variant type: single nucleotide variant.
Coding change: c.6016G>A on transcript NM_000260.4 (MANE Select); coding-DNA position 6016, G replaced by A.
Protein change: p.Asp2006Asn; replaces aspartic acid 2006 with asparagine.
Molecular consequence: missense variant.
Genome position (GRCh38, 1-based): chr11:77,208,768, G>A. VCF-style: chr11-77208768-G-A. GRCh37 (hg19) VCF-style: chr11-76919813-G-A.
Other names: c.5902G>A, p.Asp1968Asn (NM_001127180.2); c.5869G>A, p.Asp1957Asn (NM_001369365.1); short protein forms D1957N, D1968N, D2006N.
Identifiers: ClinVar variation 1310926 (VCV001310926.3), dbSNP rs2135761696, ClinGen allele CA381934517.